The following is an entry in ClinVar:

ClinVar aggregate classification (germline): Uncertain significance (1 of 4 stars; one submission).

Allele frequency attached by ClinVar (database versions not stated): gnomAD exomes below 0.00001.

Submission:

Ambry Genetics
Classification: Uncertain significance. Last evaluated: 2021-09-29. Review status: criteria provided, single submitter. Criteria: Ambry Variant Classification Scheme 2023. Collection method: clinical testing. Allele origin: germline.
Comment: The p.K256Q variant (also known as c.766A>C), located in coding exon 1 of the MLH3 gene, results from an A to C substitution at nucleotide position 766. The lysine at codon 256 is replaced by glutamine, an amino acid with similar properties. This amino acid position is conserved. In addition, this alteration is predicted to be tolerated by in silico analysis. Since supporting evidence is limited at this time, the clinical significance of this alteration remains unclear.

NM_001040108.2(MLH3):c.766A>C (p.Lys256Gln)

Gene: MLH3 (mutL homolog 3; minus strand). Cytogenetic location: 14q24.3.
Variant type: single nucleotide variant.
Coding change: c.766A>C on transcript NM_001040108.2 (MANE Select); coding-DNA position 766, A replaced by C.
Protein change: p.Lys256Gln; replaces lysine 256 with glutamine.
Molecular consequence: missense variant.
Genome position (GRCh38, 1-based): chr14:75,048,890, T>G on the plus strand (A>C on the coding strand, the complement: MLH3 is on the minus strand). VCF-style: chr14-75048890-T-G. GRCh37 (hg19) VCF-style: chr14-75515593-T-G.
Other names: c.766A>C, p.Lys256Gln (NM_014381.3); short protein forms K256Q.
Identifiers: ClinVar variation 1760050 (VCV001760050.2), dbSNP rs2503317421, ClinGen allele CA390449176.